The following is an entry in ClinVar:

ClinVar aggregate classification (germline): Likely pathogenic (1 of 4 stars; one submission).

Submission:

Dasa
Classification: Likely pathogenic. Last evaluated: 2025-05-31. Review status: criteria provided, single submitter. Criteria: DASA Assertion Criteria. Collection method: clinical testing. Allele origin: germline.
Comment: NM_013275.6(ANKRD11):c.620_623del (p.Glu207Alafs*20) is a frameshift variant in ANKRD11 predicted to alter the reading frame and introduce a premature termination codon and is predicted to result in an absent or altered protein product. Loss of function is an established disease mechanism for ANKRD11 (PMID: 21782149; PMID: 35330407; PMID: 28422132). Also, this variant is absent from population databases. Based on the currently available evidence, this variant is classified as likely pathogenic.

Literature cited by the submitters: PubMed 21782149; PubMed 35330407; PubMed 28422132.

NM_013275.6(ANKRD11):c.620_623del (p.Glu207fs)

Gene: ANKRD11 (ankyrin repeat domain 11; minus strand). Cytogenetic location: 16q24.3.
Variant type: Deletion.
Coding change: c.620_623del on transcript NM_013275.6 (MANE Select); coding-DNA positions 620 to 623, 4 bases deleted (AGGC; older notation c.620_623delAGGC).
Protein change: p.Glu207fs; shifts the reading frame from glutamic acid 207.
Molecular consequence: frameshift variant. On other transcripts: non-coding transcript variant (1).
Genome position (GRCh38, 1-based): chr16:89,288,649-89,288,652, GCCT deleted on the plus strand (AGGC on the coding strand, the reverse complement: ANKRD11 is on the minus strand). VCF-style (leftmost placement, unchanged base first): chr16-89288648-GGCCT-G. GRCh37 (hg19) VCF-style: chr16-89355056-GGCCT-G.
Other names: c.620_623del, p.Glu207fs (NM_001256182.2, NM_001256183.2); short protein forms E207fs.
Identifiers: ClinVar variation 4880752 (VCV004880752.2).